The following is an entry in ClinVar:

ClinVar aggregate classification (germline): Uncertain significance (1 of 4 stars; one submission).

Conditions:
Epileptic encephalopathy. Identifiers: MedGen C0543888, HP:0200134.

gnomAD v4.1: 1 of 1,612,758 alleles (0.000062%); highest among the groups gnomAD compares: Non-Finnish European, 0.000085%; no homozygotes.

Submission:

Labcorp Genetics (formerly Invitae), Labcorp
Classification: Uncertain significance for Epileptic encephalopathy. Last evaluated: 2025-10-02. Review status: criteria provided, single submitter. Criteria: Invitae Variant Classification Sherloc (09022015). Collection method: clinical testing. Allele origin: germline.
Comment: This sequence change replaces phenylalanine, which is neutral and non-polar, with leucine, which is neutral and non-polar, at codon 2423 of the FASN protein (p.Phe2423Leu). This variant is not present in population databases (gnomAD no frequency). This variant has not been reported in the literature in individuals affected with FASN-related conditions. ClinVar contains an entry for this variant (Variation ID: 1965273). An algorithm developed to predict the effect of missense changes on protein structure and function (PolyPhen-2) suggests that this variant is likely to be disruptive. In summary, the available evidence is currently insufficient to determine the role of this variant in disease. Therefore, it has been classified as a Variant of Uncertain Significance.

NM_004104.5(FASN):c.7269C>A (p.Phe2423Leu)

Genes: FASN (fatty acid synthase; minus strand), LOC129390948 (MPRA-validated peak3028 silencer; plus strand). Cytogenetic location: 17q25.3.
Variant type: single nucleotide variant.
Coding change: c.7269C>A on transcript NM_004104.5 (MANE Select); coding-DNA position 7269, C replaced by A.
Protein change: p.Phe2423Leu; replaces phenylalanine 2423 with leucine.
Molecular consequence: missense variant.
Genome position (GRCh38, 1-based): chr17:82,079,486, G>T on the plus strand (C>A on the coding strand, the complement: FASN is on the minus strand). VCF-style: chr17-82079486-G-T. GRCh37 (hg19) VCF-style: chr17-80037362-G-T.
Other names: short protein forms F2423L.
Identifiers: ClinVar variation 1965273 (VCV001965273.5), dbSNP rs201027778, ClinGen allele CA401595607.